The following is an entry in ClinVar:

NM_000289.6(PFKM):c.634T>C (p.Cys212Arg)

Gene: PFKM (phosphofructokinase, muscle; plus strand). Cytogenetic location: 12q13.11.
Variant type: single nucleotide variant.
Coding change: c.634T>C on transcript NM_000289.6 (MANE Select); coding-DNA position 634, T replaced by C.
Protein change: p.Cys212Arg; replaces cysteine 212 with arginine.
Molecular consequence: missense variant. On other transcripts: non-coding transcript variant (6).
Genome position (GRCh38, 1-based): chr12:48,134,272, T>C. VCF-style: chr12-48134272-T-C. GRCh37 (hg19) VCF-style: chr12-48528055-T-C.
Other names: c.847T>C, p.Cys283Arg (NM_001166686.2, NM_001354737.1, NM_001354738.1 and 1 more transcripts); c.634T>C, p.Cys212Arg (NM_001166687.2, NM_001166688.2, NM_001354742.2 and 4 more transcripts); c.943T>C, p.Cys315Arg (NM_001354735.1, NM_001354736.1); c.778T>C, p.Cys260Arg (NM_001354740.1); c.658T>C, p.Cys220Arg (NM_001354741.2); c.547T>C, p.Cys183Arg (NM_001354745.2); c.484T>C, p.Cys162Arg (NM_001354747.2, NM_001354748.2); short protein forms C183R, C212R, C220R, C162R, C260R, C283R, C315R.
Identifiers: ClinVar variation 966853 (VCV000966853.8), dbSNP rs755956424, ClinGen allele CA6537056.

ClinVar aggregate classification (germline): Uncertain significance. Review status: criteria provided, single submitter (1 of 4 stars). 2 submissions from 2 submitters: Uncertain significance (1). 1 of the submissions does not count toward it. Last evaluated 2024-09-23.

Conditions:
Glycogen storage disease, type VII (GSD7). Also called: TARUI DISEASE; GSD VII; MUSCLE PHOSPHOFRUCTOKINASE DEFICIENCY; PFKM DEFICIENCY. Identifiers: Orphanet 371, MedGen C0017926, MONDO:0009295, OMIM 232800.

Allele frequency attached by ClinVar (database versions not stated): ExAC 0.00001; gnomAD 0.00001; gnomAD exomes 0.00001 and 0.00006; TOPMed 0.00001.
gnomAD v4.1: 83 of 1,613,372 alleles (0.0051%); highest among the groups gnomAD compares: Non-Finnish European, 0.007%; no homozygotes.

Submissions (2):

Labcorp Genetics (formerly Invitae), Labcorp
Classification: Uncertain significance for Glycogen storage disease, type VII. Last evaluated: 2024-09-23. Review status: criteria provided, single submitter. Criteria: Invitae Variant Classification Sherloc (09022015). Collection method: clinical testing. Allele origin: germline.
Comment: This sequence change replaces cysteine, which is neutral and slightly polar, with arginine, which is basic and polar, at codon 212 of the PFKM protein (p.Cys212Arg). This variant is present in population databases (rs755956424, gnomAD 0.004%). This variant has not been reported in the literature in individuals affected with PFKM-related conditions. ClinVar contains an entry for this variant (Variation ID: 966853). Invitae Evidence Modeling of protein sequence and biophysical properties (such as structural, functional, and spatial information, amino acid conservation, physicochemical variation, residue mobility, and thermodynamic stability) indicates that this missense variant is expected to disrupt PFKM protein function with a positive predictive value of 80%. In summary, the available evidence is currently insufficient to determine the role of this variant in disease. Therefore, it has been classified as a Variant of Uncertain Significance.

Natera, Inc.
Classification: Uncertain significance for Glycogen storage disease type VII. Last evaluated: 2020-12-28. Review status: no assertion criteria provided. Collection method: clinical testing. Allele origin: germline. Not counted in ClinVar's aggregate classification.